The following is an entry in ClinVar:

ClinVar aggregate classification (germline): Uncertain significance. Review status: criteria provided, multiple submitters, no conflicts (2 of 4 stars). 2 submissions from 2 submitters: Uncertain significance (2). Last evaluated 2024-10-28.

Conditions:
Leukocyte adhesion deficiency 1 (LAD1). Also called: LAD 1; Lymphocyte function-associated antigen 1 immunodeficiency; LFA 1 immunodeficiency; LEUKOCYTE ADHESION DEFICIENCY, TYPE I. Identifiers: Orphanet 2968, Orphanet 99842, MedGen C0398738, MONDO:0007293, OMIM 116920.
Inborn genetic diseases. Identifiers: MedGen C0950123, MeSH D030342.

Allele frequency attached by ClinVar (database versions not stated): TOPMed 0.00001; gnomAD exomes 0.00002 and 0.00003; ExAC 0.00003; gnomAD 0.00003.
gnomAD v4.1: 29 of 1,607,216 alleles (0.0018%); highest among the groups gnomAD compares: East Asian, 0.0045%; no homozygotes.

Submissions (2):

Ambry Genetics
Classification: Uncertain significance for Inborn genetic diseases. Last evaluated: 2024-10-28. Review status: criteria provided, single submitter. Criteria: Ambry Variant Classification Scheme 2023. Collection method: clinical testing. Allele origin: germline.

Labcorp Genetics (formerly Invitae), Labcorp
Classification: Uncertain significance for Leukocyte adhesion deficiency 1. Last evaluated: 2022-03-20. Review status: criteria provided, single submitter. Criteria: Invitae Variant Classification Sherloc (09022015). Collection method: clinical testing. Allele origin: germline.
Comment: This sequence change replaces alanine, which is neutral and non-polar, with valine, which is neutral and non-polar, at codon 572 of the ITGB2 protein (p.Ala572Val). This variant is present in population databases (rs773732447, gnomAD 0.01%). This variant has not been reported in the literature in individuals affected with ITGB2-related conditions. ClinVar contains an entry for this variant (Variation ID: 857444). Algorithms developed to predict the effect of missense changes on protein structure and function (SIFT, PolyPhen-2, Align-GVGD) all suggest that this variant is likely to be disruptive. In summary, the available evidence is currently insufficient to determine the role of this variant in disease. Therefore, it has been classified as a Variant of Uncertain Significance.

NM_000211.5(ITGB2):c.1715C>T (p.Ala572Val)

Gene: ITGB2 (integrin subunit beta 2; minus strand). Cytogenetic location: 21q22.3.
Variant type: single nucleotide variant.
Coding change: c.1715C>T on transcript NM_000211.5 (MANE Select); coding-DNA position 1715, C replaced by T.
Protein change: p.Ala572Val; replaces alanine 572 with valine.
Molecular consequence: missense variant.
Genome position (GRCh38, 1-based): chr21:44,889,438, G>A on the plus strand (C>T on the coding strand, the complement: ITGB2 is on the minus strand). VCF-style: chr21-44889438-G-A. GRCh37 (hg19) VCF-style: chr21-46309353-G-A.
Other names: c.1715C>T, p.Ala572Val (NM_001127491.3); c.1508C>T, p.Ala503Val (NM_001303238.2); c.1715C>T (NM_000211.3); short protein forms A503V, A572V.
Identifiers: ClinVar variation 857444 (VCV000857444.8), dbSNP rs773732447, ClinGen allele CA10062724.
Genomic context (GRCh38, chr21:44,889,438, plus strand): 5'-CCACTACACTCAACACGCCGCGGGTTCAGGCAGCCCTCAGTGGTCCTCTCGCACTGGCAC[G>A]CTGAGCCCTCAAAGCCCGGGTGGCAGCGGCACTTCCCGCAGAAGCAGAGCCCCCTCCCTG-3'
Protein context (NP_000202.3, residues 562-582): CRCHPGFEGS[Ala572Val]CQCERTTEGC